The following is an entry in ClinVar:

NM_000321.3(RB1):c.2490-14T>C

Gene: RB1 (RB transcriptional corepressor 1; plus strand). Cytogenetic location: 13q14.2.
Variant type: single nucleotide variant.
Coding change: c.2490-14T>C on transcript NM_000321.3 (MANE Select); 14 bases into the intron before coding-DNA position 2490, T replaced by C.
Molecular consequence: intron variant.
Genome position (GRCh38, 1-based): chr13:48,473,346, T>C. VCF-style: chr13-48473346-T-C. GRCh37 (hg19) VCF-style: chr13-49047482-T-C.
Other names: c.2490-14T>C (NM_001407165.1).
Identifiers: ClinVar variation 3072062 (VCV003072062.2), dbSNP rs1349397582, ClinGen allele CA698688762.

ClinVar aggregate classification (germline): Likely benign. Review status: criteria provided, multiple submitters, no conflicts (2 of 4 stars). 2 submissions from 2 submitters: Likely benign (2). Last evaluated 2026-06-22.

Conditions:
Retinoblastoma (RB1). Also called: RETINOBLASTOMA, SOMATIC. Identifiers: Orphanet 790, MedGen C0035335, MeSH D012175, MONDO:0008380, OMIM 180200, HP:0009919. Disease mechanism: loss of function. Inheritance: Both sporadic and heritable forms are tested..

Allele frequency attached by ClinVar (database versions not stated): gnomAD exomes below 0.00001; TOPMed below 0.00001.
gnomAD v4.1: 2 of 1,569,486 alleles (0.00013%); highest among the groups gnomAD compares: Non-Finnish European, 0.00018%; no homozygotes.

Submissions (2):

Myriad Genetics, Inc.
Classification: Likely benign for Retinoblastoma. Last evaluated: 2026-06-22. Review status: criteria provided, single submitter. Criteria: Myriad Autosomal Dominant, Autosomal Recessive and X-Linked Classification Criteria (2023). Collection method: clinical testing. Allele origin: unknown.
Comment: This variant is considered likely benign. This variant is intronic and is not expected to impact mRNA splicing.

All of Us Research Program, National Institutes of Health
Classification: Likely benign for Retinoblastoma. Last evaluated: 2023-06-26. Review status: criteria provided, single submitter. Criteria: ACMG Guidelines, 2015. Collection method: clinical testing. Allele origin: germline. Inheritance: Autosomal dominant inheritance. Observed: 1 variant allele, 1 heterozygote.
Comment: This study involves interpretation of variants in research participants for the purpose of population health screening. Participant phenotype was not available at the time of variant classification. Additional details can be found in publication PMID: 35346344, PMCID: PMC8962531